The following is an entry in ClinVar:

NM_001034116.2(EIF2B4):c.429T>C (p.Arg143=)

Gene: EIF2B4 (eukaryotic translation initiation factor 2B subunit delta; minus strand). Cytogenetic location: 2p23.3.
Variant type: single nucleotide variant.
Coding change: c.429T>C on transcript NM_001034116.2 (MANE Select); coding-DNA position 429, T replaced by C.
Protein change: p.Arg143=; no amino-acid change (arginine 143 retained).
Molecular consequence: synonymous variant. On other transcripts: 5 prime UTR variant (2).
Genome position (GRCh38, 1-based): chr2:27,368,723, A>G on the plus strand (T>C on the coding strand, the complement: EIF2B4 is on the minus strand). VCF-style: chr2-27368723-A-G. GRCh37 (hg19) VCF-style: chr2-27591590-A-G.
Other names: c.492T>C, p.Arg164= (NM_001318965.2); c.384T>C, p.Arg128= (NM_001318966.2); c.336T>C, p.Arg112= (NM_001318967.2); c.-157T>C (NM_001318968.2); c.-164T>C (NM_001318969.2); c.426T>C, p.Arg142= (NM_015636.4); c.489T>C, p.Arg163= (NM_172195.4); c.429T>C (NM_001034116.1).
Identifiers: ClinVar variation 717472 (VCV000717472.12), dbSNP rs149121402, ClinGen allele CA1576895.
Genomic context (GRCh38, chr2:27,368,723, plus strand): 5'-CTCTGGTTTTTTAACAAGCCTTCTCAGAAGTAGGTCATCAACCTGAGGGTACTCAGGGAG[A>G]CGCTTCACTCCTGAAAGATAATCATCATGTTTTCAGGACACTGTAGGTCTTGAAATGTGT-3'
Protein context (NP_001029288.1, residues 133-153): TAGETPSGVK[Arg143=]LPEYPQVDDL

ClinVar aggregate classification (germline): Benign/Likely benign. Review status: criteria provided, multiple submitters, no conflicts (2 of 4 stars). 3 submissions from 3 submitters: Benign (2); Likely benign (1). Last evaluated 2025-12-21.

Conditions:
EIF2B4-related disorder. Also called: EIF2B4-related condition.

Allele frequency attached by ClinVar (database versions not stated): ExAC 0.00027; gnomAD exomes 0.00027 and 0.00011; ESP Exome Variant Server 0.00062; gnomAD 0.00082 and 0.00083; TOPMed 0.00097; 1000 Genomes Project 30x 0.00203; 1000 Genomes Project 0.00220.
gnomAD v4.1: 296 of 1,614,080 alleles (0.018%); highest among the groups gnomAD compares: African/African-American, 0.32%; 1 homozygote.

Submissions (3):

Labcorp Genetics (formerly Invitae), Labcorp
Classification: Benign. Last evaluated: 2025-12-21. Review status: criteria provided, single submitter. Criteria: Invitae Variant Classification Sherloc (09022015). Collection method: clinical testing. Allele origin: germline.

PreventionGenetics, part of Exact Sciences
Classification: Likely benign for EIF2B4-related condition. Last evaluated: 2025-03-10. Review status: criteria provided, single submitter. Criteria: ACMG Guidelines, 2015. Collection method: clinical testing. Allele origin: germline.
Comment: This variant is classified as likely benign based on ACMG/AMP sequence variant interpretation guidelines (Richards et al. 2015 PMID: 25741868, with internal and published modifications).

Breakthrough Genomics
Classification: Benign. Review status: criteria provided, single submitter. Criteria: ACMG Guidelines, 2015. Collection method: not provided. Allele origin: germline. Inheritance: Autosomal recessive inheritance. Affected: yes.